The following is an entry in ClinVar:

ClinVar aggregate classification (germline): Uncertain significance (1 of 4 stars; one submission).

Conditions:
Congenital myasthenic syndrome 12 (CMS12). Also called: MYASTHENIC SYNDROME, CONGENITAL, WITH TUBULAR AGGREGATES 1; Myasthenia, congenital, 12, with tubular aggregates. Identifiers: Orphanet 353327, Orphanet 590, MedGen C3552335, MONDO:0012518, OMIM 610542.

Allele frequency attached by ClinVar (database versions not stated): gnomAD exomes below 0.00001; TOPMed 0.00001.
gnomAD v4.1: 2 of 1,613,782 alleles (0.00012%); highest among the groups gnomAD compares: South Asian, 0.0011%; no homozygotes.

Submission:

Labcorp Genetics (formerly Invitae), Labcorp
Classification: Uncertain significance for Congenital myasthenic syndrome 12. Last evaluated: 2021-03-01. Review status: criteria provided, single submitter. Criteria: Invitae Variant Classification Sherloc (09022015). Collection method: clinical testing. Allele origin: germline.
Comment: In summary, the available evidence is currently insufficient to determine the role of this variant in disease. Therefore, it has been classified as a Variant of Uncertain Significance. Nucleotide substitutions within the consensus splice site are a relatively common cause of aberrant splicing (PMID: 17576681, 9536098). Algorithms developed to predict the effect of sequence changes on RNA splicing suggest that this variant may disrupt the consensus splice site, but this prediction has not been confirmed by published transcriptional studies. This variant has not been reported in the literature in individuals with GFPT1-related conditions. This variant is not present in population databases (ExAC no frequency). This sequence change falls in intron 13 of the GFPT1 gene. It does not directly change the encoded amino acid sequence of the GFPT1 protein. It affects a nucleotide within the consensus splice site of the intron.

Literature cited by the submitters: PubMed 17576681; PubMed 9536098.

NM_001244710.2(GFPT1):c.1204-3C>T

Gene: GFPT1 (glutamine--fructose-6-phosphate transaminase 1; minus strand). Cytogenetic location: 2p13.3.
Variant type: single nucleotide variant.
Coding change: c.1204-3C>T on transcript NM_001244710.2 (MANE Select); 3 bases into the intron before coding-DNA position 1204, C replaced by T.
Molecular consequence: intron variant.
Genome position (GRCh38, 1-based): chr2:69,338,568, G>A on the plus strand (C>T on the coding strand, the complement: GFPT1 is on the minus strand). VCF-style: chr2-69338568-G-A. GRCh37 (hg19) VCF-style: chr2-69565700-G-A.
Other names: c.1150-3C>T (NM_002056.4).
Identifiers: ClinVar variation 1398080 (VCV001398080.6), dbSNP rs1307653021, ClinGen allele CA533191355.
Genomic context (GRCh38, chr2:69,338,568, plus strand): 5'-CACTTGCTAGTTCCACCATCACAGGCAACTCAGTCAGCTCCTCAAGAACTTGACGTGTCT[G>A]CAGAGAAAATATGACTTGGTCACAGAACTTTCCTTCAAATACTCTTTCATCGGACTTCTT-3'